The following is an entry in ClinVar:

NM_000303.3(PMM2):c.256-9_256-7del

Gene: PMM2 (phosphomannomutase 2; plus strand). Cytogenetic location: 16p13.2.
Variant type: Microsatellite.
Coding change: c.256-9_256-7del on transcript NM_000303.3 (MANE Select); 9 bases into the intron before coding-DNA position 256 through 7 bases into the intron before coding-DNA position 256, 3 bases deleted (TTC; older notation c.256-9_256-7delTTC).
Molecular consequence: intron variant.
Genome position (GRCh38, 1-based): chr16:8,806,307-8,806,309, TTC deleted; deleting any 3 consecutive bases within chr16:8,806,304-8,806,309 gives the same sequence; the c. name uses the placement nearest the transcript's 3' end. VCF-style (leftmost placement, unchanged base first): chr16-8806303-TTTC-T. GRCh37 (hg19) VCF-style: chr16-8900160-TTTC-T.
Identifiers: ClinVar variation 4890863 (VCV004890863.1).
Genomic context (GRCh38, chr16:8,806,303, plus strand): 5'-CCTGGGTTTGCTATGAAGCTGTTTTGAAAATGCTCCTGCTAAATCAAGTAACTCAAGTAT[TTTC>T]TTCATCTAGAATATTCAAAGTCATCTGGGTGAGGCCCTAATCCAAGATTTAATCAACTAC-3'

ClinVar aggregate classification (germline): Likely pathogenic (1 of 4 stars; one submission).

Conditions:
Ataxia. Identifiers: MedGen C0004134, HP:0001251.

Submission:

Clinical Genetics Laboratory, Skane University Hospital Lund
Classification: Likely pathogenic for Ataxia. Last evaluated: 2026-06-24. Review status: criteria provided, single submitter. Criteria: ACMG Guidelines, 2015. Collection method: clinical testing. Allele origin: germline. Inheritance: Autosomal recessive inheritance. Affected: yes.
Comment: PMM2 (NM_000303.3) c.256-9_256-7del, p.? involves a deletion of 3 base pairs in intron 3 which is predicted (SpliceAI acceptor loss: 0.48) to cause altered splicing of exon 4 of 8. PMM2 c.256-9_256-7del has not been detected in the normal population and has not been previously described in ClinVar. Other variants within the same splicing motif have been reported pathogenic in the ClinVar database. The variant was detected in compound with another heterozygous pathogenic PMM2-variant, phase unknown. The variant has been classified as likely pathogenic using the following ACMG criteria: PS1_Moderate, PM2, PM3_Supporting and PP3.